The following is an entry in ClinVar:

ClinVar aggregate classification (germline): Uncertain significance (1 of 4 stars; one submission).

Conditions:
Inborn genetic diseases. Identifiers: MedGen C0950123, MeSH D030342.

Submission:

Ambry Genetics
Classification: Uncertain significance for Inborn genetic diseases. Last evaluated: 2023-10-12. Review status: criteria provided, single submitter. Criteria: Ambry Variant Classification Scheme 2023. Collection method: clinical testing. Allele origin: germline.
Comment: The p.L156S variant (also known as c.467T>C), located in coding exon 4 of the ATR gene, results from a T to C substitution at nucleotide position 467. The leucine at codon 156 is replaced by serine, an amino acid with dissimilar properties. This amino acid position is conserved. In addition, the in silico prediction for this alteration is inconclusive. Since supporting evidence is limited at this time, the clinical significance of this alteration remains unclear.

NM_001184.4(ATR):c.467T>C (p.Leu156Ser)

Gene: ATR (ATR checkpoint kinase; minus strand). Cytogenetic location: 3q23.
Variant type: single nucleotide variant.
Coding change: c.467T>C on transcript NM_001184.4 (MANE Select); coding-DNA position 467, T replaced by C.
Protein change: p.Leu156Ser; replaces leucine 156 with serine.
Molecular consequence: missense variant.
Genome position (GRCh38, 1-based): chr3:142,562,935, A>G on the plus strand (T>C on the coding strand, the complement: ATR is on the minus strand). VCF-style: chr3-142562935-A-G. GRCh37 (hg19) VCF-style: chr3-142281777-A-G.
Other names: c.467T>C, p.Leu156Ser (NM_001354579.2); short protein forms L156S.
Identifiers: ClinVar variation 3221174 (VCV003221174.1), dbSNP rs2473429469, ClinGen allele CA354826853.